The following is an entry in ClinVar:

NM_004369.4(COL6A3):c.8465-7del

Gene: COL6A3 (collagen type VI alpha 3 chain; minus strand). Cytogenetic location: 2q37.3.
Variant type: Deletion.
Coding change: c.8465-7del on transcript NM_004369.4 (MANE Select); 7 bases into the intron before coding-DNA position 8465, one base deleted (T; older notation c.8465-7delT).
Molecular consequence: intron variant.
Genome position (GRCh38, 1-based): chr2:237,339,124, A deleted on the plus strand (T on the coding strand, the reverse complement: COL6A3 is on the minus strand); the first of 8 consecutive A bases (chr2:237,339,124-237,339,131); deleting any one gives the same sequence. VCF-style (leftmost placement, unchanged base first): chr2-237339123-GA-G. GRCh37 (hg19) VCF-style: chr2-238247766-GA-G.
Other names: c.6644-7del (NM_057166.5); c.7847-7del (NM_057167.4); c.8465-7delT (NM_004369.3).
Identifiers: ClinVar variation 197079 (VCV000197079.33), dbSNP rs111494366, ClinGen allele CA202687.
Genomic context (GRCh38, chr2:237,339,123, plus strand): 5'-TGGAACCAATCACACTGTTTCCTGATATCTGGGGACAAGTAAAAAGCATTTTCACCTAAA[GA>G]AAAAAAACAAAGAAAACAATTGAACCGCATGCTAATAACATGAAAATTAAAATTAATCTG-3'

ClinVar aggregate classification (germline): Benign. Review status: criteria provided, multiple submitters, no conflicts (2 of 4 stars). 5 submissions from 5 submitters: Benign (4). 1 of the submissions does not count toward it. Last evaluated 2026-01-27.

Conditions:
COL6A3-related disorder. Also called: COL6A3-related condition; COL6A3-related disorders.
Bethlem myopathy 1A. Also called: MYOPATHY, BENIGN CONGENITAL, WITH CONTRACTURES; Bethlem myopathy 1; Bethlem Muscular Dystrophy. Identifiers: Orphanet 610, MedGen CN029274, MONDO:0024530, OMIM 158810.

Submissions (5):

Labcorp Genetics (formerly Invitae), Labcorp
Classification: Benign for Bethlem myopathy 1A. Last evaluated: 2026-01-27. Review status: criteria provided, single submitter. Criteria: Invitae Variant Classification Sherloc (09022015). Collection method: clinical testing. Allele origin: germline.

CeGaT Center for Human Genetics Tuebingen
Classification: Benign. Last evaluated: 2025-07-01. Review status: criteria provided, single submitter. Criteria: CeGaT Center For Human Genetics Tuebingen Variant Classification Criteria Version 2. Collection method: clinical testing. Allele origin: germline. Affected: yes. Observed: 1 variant allele.
Comment: COL6A3: BP4, BS1, BS2

GeneDx
Classification: Benign. Last evaluated: 2017-04-17. Review status: criteria provided, single submitter. Criteria: GeneDx Variant Classification (06012015). Collection method: clinical testing. Allele origin: germline. Affected: yes.
Comment: This variant is considered likely benign or benign based on one or more of the following criteria: it is a conservative change, it occurs at a poorly conserved position in the protein, it is predicted to be benign by multiple in silico algorithms, and/or has population frequency not consistent with disease.

Eurofins Ntd Llc (ga)
Classification: Benign. Last evaluated: 2015-01-23. Review status: criteria provided, single submitter. Criteria: EGL Classification Definitions 2015. Collection method: clinical testing. Allele origin: germline. Observed: 1 variant allele, 1 heterozygote.

PreventionGenetics, part of Exact Sciences
Classification: Benign for COL6A3-related condition. Last evaluated: 2020-03-03. Review status: no assertion criteria provided. Collection method: clinical testing. Allele origin: germline. Not counted in ClinVar's aggregate classification.
Comment: This variant is classified as benign based on ACMG/AMP sequence variant interpretation guidelines (Richards et al. 2015 PMID: 25741868, with internal and published modifications).